The following is an entry in ClinVar:

NM_001308093.3(GATA4):c.326C>G (p.Ser109Cys)

Gene: GATA4 (GATA binding protein 4). Cytogenetic location: 8p23.1.
Variant type: single nucleotide variant.
Coding change: c.326C>G on transcript NM_001308093.3 (MANE Select); coding-DNA position 326, C replaced by G.
Protein change: p.Ser109Cys; replaces serine 109 with cysteine.
Molecular consequence: missense variant. On other transcripts: intron variant (3).
Genome position (GRCh38, 1-based): chr8:11,708,638, C>G. VCF-style: chr8-11708638-C-G. GRCh37 (hg19) VCF-style: chr8-11566147-C-G.
Other names: c.326C>G, p.Ser109Cys (NM_002052.5); c.-6+7860C>G (NM_001308094.2); c.-3+624C>G (NM_001374274.1); c.-3+4334C>G (NM_001374273.1); short protein forms S109C.
Identifiers: ClinVar variation 539981 (VCV000539981.9), dbSNP rs1554488532, ClinGen allele CA370309396.

ClinVar aggregate classification (germline): Uncertain significance (1 of 4 stars; one submission).

Conditions:
Atrioventricular septal defect 4 (AVSD4). Identifiers: MedGen C3280781, MONDO:0013747, OMIM 614430.

Submission:

Labcorp Genetics (formerly Invitae), Labcorp
Classification: Uncertain significance for Atrioventricular septal defect 4. Last evaluated: 2018-12-22. Review status: criteria provided, single submitter. Criteria: Invitae Variant Classification Sherloc (09022015). Collection method: clinical testing. Allele origin: germline.
Comment: This sequence change replaces serine with cysteine at codon 109 of the GATA4 protein (p.Ser109Cys). The serine residue is moderately conserved and there is a moderate physicochemical difference between serine and cysteine. While this variant is not present in population databases, the frequency information is unreliable, as metrics indicate poor data quality at this position in the ExAC database. This variant has not been reported in the literature in individuals with GATA4-related disease. Algorithms developed to predict the effect of missense changes on protein structure and function do not agree on the potential impact of this missense change (SIFT: "Tolerated"; PolyPhen-2: "Possibly Damaging"; Align-GVGD: "Class C0"). In summary, the available evidence is currently insufficient to determine the role of this variant in disease. Therefore, it has been classified as a Variant of Uncertain Significance.